The following is an entry in ClinVar:

ClinVar aggregate classification (germline): Pathogenic (1 of 4 stars; one submission).

Conditions:
Charcot-Marie-Tooth disease type 2. Also called: Charcot-Marie-Tooth type 2. Identifiers: Orphanet 64746, MedGen C0270914, MONDO:0018993.

Submission:

Labcorp Genetics (formerly Invitae), Labcorp
Classification: Pathogenic for Charcot-Marie-Tooth disease type 2. Last evaluated: 2023-05-30. Review status: criteria provided, single submitter. Criteria: Invitae Variant Classification Sherloc (09022015). Collection method: clinical testing. Allele origin: unknown.
Comment: For these reasons, this variant has been classified as Pathogenic. This variant disrupts a region of the MFN2 protein in which other variant(s) (p.Arg632Trp) have been determined to be pathogenic (PMID: 29215088). This suggests that this is a clinically significant region of the protein, and that variants that disrupt it are likely to be disease-causing. This variant has not been reported in the literature in individuals affected with MFN2-related conditions. This variant results in the deletion of exons 9-16 and part of 17 (c.817-744_1996del) of the MFN2 gene. It is expected to disrupt RNA splicing. Variants that disrupt the donor or acceptor splice site typically lead to a loss of protein function (PMID: 16199547), and loss-of-function variants in MFN2 are known to be pathogenic (PMID: 16714318, 16835246, 21715711, 23781337, 26955893).

Literature cited by the submitters: PubMed 29215088; PubMed 16199547; PubMed 16714318; PubMed 16835246; PubMed 21715711; PubMed 23781337; PubMed 26955893.

NC_000001.10:g.(?_12060714)_(12067233_?)del

Gene: MFN2 (mitofusin 2; plus strand). Cytogenetic location: 1p36.22.
Variant type: Deletion.
Identifiers: ClinVar variation 3247857 (VCV003247857.1).